The following is an entry in ClinVar:

ClinVar aggregate classification (germline): Uncertain significance (1 of 4 stars; one submission).

Conditions:
MHC class I deficiency. Identifiers: Orphanet 34592, MedGen C6024714, MONDO:0011476.

Submission:

Center for Genomics, Ann and Robert H. Lurie Children's Hospital of Chicago
Classification: Uncertain significance for MHC class I deficiency 1. Last evaluated: 2021-03-30. Review status: criteria provided, single submitter. Criteria: ACMG Guidelines, 2015. Collection method: clinical testing. Allele origin: germline.
Comment: TAP2 NM_000544.3 exon 7 c.1144-6_1144-5delinsAC: This variant has not been reported in the literature and is not present in large control databases. This variant is present in ClinVar (Variation ID:466363). Evolutionary conservation and computational predictive tools for this variant are limited or unavailable. This variant is a deletion and insertion of 2 nucleotides at position 1144-6_1144-5; this variant is an intronic variant; splice prediction tools suggest that this variant may not affect splicing. However, further studies are needed to understand its impact. In summary, data on this variant is insufficient for disease classification. Therefore, the clinical significance of this variant is uncertain.

NM_001290043.2(TAP2):c.1144-5delinsAC

Gene: TAP2 (transporter 2, ATP binding cassette subfamily B member; minus strand). Cytogenetic location: 6p21.32.
Variant type: Indel.
Coding change: c.1144-5delinsAC on transcript NM_001290043.2 (MANE Select); 5 bases into the intron before coding-DNA position 1144, T replaced by AC.
Molecular consequence: intron variant.
Genome position (GRCh38, 1-based): chr6:32,832,466, A replaced by GT on the plus strand (T replaced by AC on the coding strand, the reverse complement: TAP2 is on the minus strand). VCF-style: chr6-32832466-A-GT. GRCh37 (hg19) VCF-style: chr6-32800243-A-GT.
Other names: c.1144-5delinsAC (NM_018833.3).
Identifiers: ClinVar variation 2501760 (VCV002501760.1), dbSNP rs2483029717, ClinGen allele CA2580614857.